The following is an entry in ClinVar:

NM_001844.5(COL2A1):c.1068+5G>C

Gene: COL2A1 (collagen type II alpha 1 chain; minus strand). Cytogenetic location: 12q13.11.
Variant type: single nucleotide variant.
Coding change: c.1068+5G>C on transcript NM_001844.5 (MANE Select); 5 bases into the intron after coding-DNA position 1068, G replaced by C.
Molecular consequence: intron variant.
Genome position (GRCh38, 1-based): chr12:47,989,756, C>G on the plus strand (G>C on the coding strand, the complement: COL2A1 is on the minus strand). VCF-style: chr12-47989756-C-G. GRCh37 (hg19) VCF-style: chr12-48383539-C-G.
Other names: c.861+5G>C (NM_033150.3).
Identifiers: ClinVar variation 4855683 (VCV004855683.1).

ClinVar aggregate classification (germline): Uncertain significance (1 of 4 stars; one submission).

Conditions:
COL2A1-related disorder. Also called: COL2A1-related condition; COL2A1-related disorders.

Submission:

3billion
Classification: Uncertain significance for COL2A1-related disorder. Last evaluated: 2025-12-01. Review status: criteria provided, single submitter. Criteria: ACMG Guidelines, 2015. Collection method: clinical testing. Allele origin: germline. Affected: yes.
Comment: The variant is not observed in the gnomAD v4.1.0 dataset. Predicted Consequence/Location: Intron variant In silico tools predict the variant to alter splicing and produce an abnormal transcript [SpliceAI: 0.39 (>=0.2, moderate evidence for spliceogenicity)]. Therefore, this variant is classified as VUS according to the recommendation of ACMG/AMP guideline.